The following is an entry in ClinVar:

NM_199420.4(POLQ):c.7031A>T (p.His2344Leu)

Gene: POLQ (DNA polymerase theta; minus strand). Cytogenetic location: 3q13.33.
Variant type: single nucleotide variant.
Coding change: c.7031A>T on transcript NM_199420.4 (MANE Select); coding-DNA position 7031, A replaced by T.
Protein change: p.His2344Leu; replaces histidine 2344 with leucine.
Molecular consequence: missense variant.
Genome position (GRCh38, 1-based): chr3:121,460,171, T>A on the plus strand (A>T on the coding strand, the complement: POLQ is on the minus strand). VCF-style: chr3-121460171-T-A. GRCh37 (hg19) VCF-style: chr3-121179018-T-A.
Other names: short protein forms H2344L.
Identifiers: ClinVar variation 1756797 (VCV001756797.2), dbSNP rs2047780281, ClinGen allele CA354107476.

ClinVar aggregate classification (germline): Uncertain significance (1 of 4 stars; one submission).

Submission:

Ambry Genetics
Classification: Uncertain significance. Last evaluated: 2022-05-19. Review status: criteria provided, single submitter. Criteria: Ambry Variant Classification Scheme 2023. Collection method: clinical testing. Allele origin: germline.
Comment: The p.H2344L variant (also known as c.7031A>T), located in coding exon 25 of the POLQ gene, results from an A to T substitution at nucleotide position 7031. The histidine at codon 2344 is replaced by leucine, an amino acid with similar properties. This amino acid position is conserved. In addition, the in silico prediction for this alteration is inconclusive. Since supporting evidence is limited at this time, the clinical significance of this alteration remains unclear.